The following is an entry in ClinVar:

ClinVar aggregate classification (germline): Conflicting classifications of pathogenicity. Review status: criteria provided, conflicting classifications (1 of 4 stars). 6 submissions from 6 submitters: Uncertain significance (2); Likely benign (3). 1 of the submissions does not count toward it. Last evaluated 2025-11-02.

Conditions:
Nemaline myopathy 2 (NEM2). Also called: Nemaline myopathy 2, autosomal recessive. Identifiers: MedGen C1850569, MONDO:0009725, OMIM 256030.
Inborn genetic diseases. Identifiers: MedGen C0950123, MeSH D030342.

Allele frequency attached by ClinVar (database versions not stated): TOPMed 0.00014; 1000 Genomes Project 30x 0.00016; ExAC 0.00016; 1000 Genomes Project 0.00020; ESP Exome Variant Server 0.00024; gnomAD exomes 0.00024.
gnomAD v4.1: 174 of 1,614,000 alleles (0.011%); highest among the groups gnomAD compares: Middle Eastern, 0.049%; no homozygotes.

Submissions (6):

Labcorp Genetics (formerly Invitae), Labcorp
Classification: Likely benign for Nemaline myopathy 2. Last evaluated: 2025-11-02. Review status: criteria provided, single submitter. Criteria: Invitae Variant Classification Sherloc (09022015). Collection method: clinical testing. Allele origin: germline.

Ambry Genetics
Classification: Uncertain significance for Inborn genetic diseases. Last evaluated: 2025-07-02. Review status: criteria provided, single submitter. Criteria: Ambry Variant Classification Scheme 2023. Collection method: clinical testing. Allele origin: germline.

GeneDx
Classification: Uncertain significance. Last evaluated: 2025-03-06. Review status: criteria provided, single submitter. Criteria: GeneDx Variant Classification Process June 2021. Collection method: clinical testing. Allele origin: germline. Affected: yes.
Comment: In silico analysis supports that this missense variant has a deleterious effect on protein structure/function; Has not been previously published as pathogenic or benign to our knowledge

Blueprint Genetics
Classification: Likely benign. Last evaluated: 2024-11-11. Review status: criteria provided, single submitter. Criteria: ACMG Guidelines, 2015. Collection method: clinical testing. Allele origin: germline.

Revvity Omics, Revvity
Classification: Likely benign. Last evaluated: 2024-08-23. Review status: criteria provided, single submitter. Criteria: ACMG Guidelines, 2015. Collection method: clinical testing. Allele origin: germline.

Natera, Inc.
Classification: Uncertain significance for Nemaline myopathy type 2. Last evaluated: 2020-01-17. Review status: no assertion criteria provided. Collection method: clinical testing. Allele origin: germline. Not counted in ClinVar's aggregate classification.

NM_001164508.2(NEB):c.22108C>G (p.Pro7370Ala)

Genes: NEB (nebulin; minus strand), RIF1 (replication timing regulatory factor 1; plus strand). Cytogenetic location: 2q23.3.
Variant type: single nucleotide variant.
Coding change: c.22108C>G on transcript NM_001164508.2 (MANE Select); coding-DNA position 22108, C replaced by G.
Protein change: p.Pro7370Ala; replaces proline 7370 with alanine.
Molecular consequence: missense variant.
Genome position (GRCh38, 1-based): chr2:151,526,011, G>C on the plus strand (C>G on the coding strand, the complement: NEB is on the minus strand). VCF-style: chr2-151526011-G-C. GRCh37 (hg19) VCF-style: chr2-152382525-G-C.
Other names: c.17005C>G (NM_004543.4); c.22108C>G, p.Pro7370Ala (NM_001164507.2); c.22213C>G, p.Pro7405Ala (NM_001271208.2); c.17005C>G, p.Pro5669Ala (NM_004543.5); short protein forms P5669A, P7370A, P7405A.
Identifiers: ClinVar variation 705827 (VCV000705827.19), dbSNP rs200304547, ClinGen allele CA1906773.